The following is an entry in ClinVar:

ClinVar aggregate classification (germline): Uncertain significance. Review status: criteria provided, multiple submitters, no conflicts (2 of 4 stars). 2 submissions from 2 submitters: Uncertain significance (2). Last evaluated 2025-07-17.

gnomAD v4.1: 17 of 1,611,026 alleles (0.0011%); highest among the groups gnomAD compares: South Asian, 0.018%; no homozygotes.

Submissions (2):

Women's Health and Genetics/Laboratory Corporation of America, LabCorp
Classification: Uncertain significance. Last evaluated: 2025-07-17. Review status: criteria provided, single submitter. Criteria: LabCorp Variant Classification Summary - May 2015. Collection method: clinical testing. Allele origin: germline.
Comment: Variant summary: TTN NM_133378:c.94094A>G (p.His31365Arg), also known as NM_001267550:c.101798A>G (p.His33933Arg) results in a non-conservative amino acid change in the encoded protein sequence. Algorithms developed to predict the effect of missense changes on protein structure and function are either unavailable or do not agree on the potential impact of this missense change. The variant allele was found at a frequency of 2.4e-05 in 246324 control chromosomes. The available data on variant occurrences in the general population are insufficient to allow any conclusion about variant significance. To our knowledge, no occurrence of c.94094A>G in individuals affected with Autosomal Recessive Titinopathy and no experimental evidence demonstrating its impact on protein function have been reported. No submitters have cited clinical-significance assessments for this variant to ClinVar. Based on the evidence outlined above, the variant was classified as uncertain significance.

Revvity Omics, Revvity
Classification: Uncertain significance. Last evaluated: 2024-02-07. Review status: criteria provided, single submitter. Criteria: ACMG Guidelines, 2015. Collection method: clinical testing. Allele origin: germline.

NM_001267550.2(TTN):c.101798A>G (p.His33933Arg)

Genes: TTN (titin; minus strand), TTN-AS1 (TTN antisense RNA 1; plus strand). Cytogenetic location: 2q31.2.
Variant type: single nucleotide variant.
Coding change: c.101798A>G on transcript NM_001267550.2 (MANE Select); coding-DNA position 101798, A replaced by G.
Protein change: p.His33933Arg; replaces histidine 33933 with arginine.
Molecular consequence: missense variant.
Genome position (GRCh38, 1-based): chr2:178,534,817, T>C on the plus strand (A>G on the coding strand, the complement: TTN is on the minus strand). VCF-style: chr2-178534817-T-C. GRCh37 (hg19) VCF-style: chr2-179399544-T-C.
Other names: c.96875A>G, p.His32292Arg (NM_001256850.1); c.74603A>G, p.His24868Arg (NM_003319.4); c.94094A>G, p.His31365Arg (NM_133378.4); c.74978A>G, p.His24993Arg (NM_133432.3); c.75179A>G, p.His25060Arg (NM_133437.4); short protein forms H24868R, H24993R, H25060R, H31365R, H32292R, H33933R.
Identifiers: ClinVar variation 4080643 (VCV004080643.2).